The following is an entry in ClinVar:

ClinVar aggregate classification (germline): Uncertain significance. Review status: criteria provided, single submitter (1 of 4 stars). 2 submissions from 2 submitters: Uncertain significance (1). 1 of the submissions does not count toward it. Last evaluated 2022-07-15.

Conditions:
Mucopolysaccharidosis type 6 (MPS6). Also called: N-ACETYLGALACTOSAMINE-4-SULFATASE DEFICIENCY; ARSB DEFICIENCY; ARYLSULFATASE B DEFICIENCY; MPS 6; Maroteaux Lamy syndrome; MPS VI. Identifiers: Orphanet 583, MedGen C0026709, MONDO:0009661, OMIM 253200.

Submissions (2):

Labcorp Genetics (formerly Invitae), Labcorp
Classification: Uncertain significance for Mucopolysaccharidosis type 6. Last evaluated: 2022-07-15. Review status: criteria provided, single submitter. Criteria: Invitae Variant Classification Sherloc (09022015). Collection method: clinical testing. Allele origin: germline.
Comment: This sequence change replaces methionine, which is neutral and non-polar, with valine, which is neutral and non-polar, at codon 150 of the ARSB protein (p.Met150Val). This variant is not present in population databases (gnomAD no frequency). This variant has not been reported in the literature in individuals affected with ARSB-related conditions. Advanced modeling of protein sequence and biophysical properties (such as structural, functional, and spatial information, amino acid conservation, physicochemical variation, residue mobility, and thermodynamic stability) performed at Invitae indicates that this missense variant is expected to disrupt ARSB protein function. In summary, the available evidence is currently insufficient to determine the role of this variant in disease. Therefore, it has been classified as a Variant of Uncertain Significance.

Natera, Inc.
Classification: Uncertain significance for Mucopolysaccharidosis type VI. Last evaluated: 2025-03-24. Review status: no assertion criteria provided. Collection method: clinical testing. Allele origin: germline. Not counted in ClinVar's aggregate classification.

NM_000046.5(ARSB):c.448A>G (p.Met150Val)

Gene: ARSB (arylsulfatase B; minus strand). Cytogenetic location: 5q14.1.
Variant type: single nucleotide variant.
Coding change: c.448A>G on transcript NM_000046.5 (MANE Select); coding-DNA position 448, A replaced by G.
Protein change: p.Met150Val; replaces methionine 150 with valine.
Molecular consequence: missense variant.
Genome position (GRCh38, 1-based): chr5:78,969,057, T>C on the plus strand (A>G on the coding strand, the complement: ARSB is on the minus strand). VCF-style: chr5-78969057-T-C. GRCh37 (hg19) VCF-style: chr5-78264880-T-C.
Other names: c.448A>G (NM_000046.4); c.448A>G, p.Met150Val (NM_198709.3); short protein forms M150V.
Identifiers: ClinVar variation 1938951 (VCV001938951.3), dbSNP rs916592017, ClinGen allele CA121107818.